The following is an entry in ClinVar:

ClinVar aggregate classification (germline): Uncertain significance (1 of 4 stars; one submission).

Conditions:
Early-infantile DEE. Also called: Early infantile epileptic encephalopathy; Ohtahara syndrome; Early infantile epileptic encephalopathy with suppression bursts. Identifiers: Orphanet 1934, MedGen C0393706, MONDO:0800491.

Allele frequency attached by ClinVar (database versions not stated): TOPMed 0.00002.
gnomAD v4.1: 1 of 1,614,048 alleles (0.000062%); highest among the groups gnomAD compares: African/African-American, 0.0013%; no homozygotes.

Submission:

Labcorp Genetics (formerly Invitae), Labcorp
Classification: Uncertain significance for Early-infantile DEE. Last evaluated: 2025-10-01. Review status: criteria provided, single submitter. Criteria: Invitae Variant Classification Sherloc (09022015). Collection method: clinical testing. Allele origin: germline.
Comment: This sequence change replaces alanine, which is neutral and non-polar, with serine, which is neutral and polar, at codon 355 of the SPTAN1 protein (p.Ala355Ser). This variant is not present in population databases (gnomAD no frequency). This variant has not been reported in the literature in individuals affected with SPTAN1-related conditions. ClinVar contains an entry for this variant (Variation ID: 1449984). Invitae Evidence Modeling of protein sequence and biophysical properties (such as structural, functional, and spatial information, amino acid conservation, physicochemical variation, residue mobility, and thermodynamic stability) has been performed for this missense variant. However, the output from this modeling did not meet the statistical confidence thresholds required to predict the impact of this variant on SPTAN1 protein function. In summary, the available evidence is currently insufficient to determine the role of this variant in disease. Therefore, it has been classified as a Variant of Uncertain Significance.

NM_001130438.3(SPTAN1):c.1063G>T (p.Ala355Ser)

Gene: SPTAN1 (spectrin alpha, non-erythrocytic 1; plus strand). Cytogenetic location: 9q34.11.
Variant type: single nucleotide variant.
Coding change: c.1063G>T on transcript NM_001130438.3 (MANE Select); coding-DNA position 1063, G replaced by T.
Protein change: p.Ala355Ser; replaces alanine 355 with serine.
Molecular consequence: missense variant.
Genome position (GRCh38, 1-based): chr9:128,577,484, G>T. VCF-style: chr9-128577484-G-T. GRCh37 (hg19) VCF-style: chr9-131339763-G-T.
Other names: c.1063G>T, p.Ala355Ser (NM_001195532.2, NM_001363759.2, NM_001363765.2 and 5 more transcripts); c.1099G>T, p.Ala367Ser (NM_001375312.2, NM_001375318.1); short protein forms A367S, A355S.
Identifiers: ClinVar variation 1449984 (VCV001449984.7), dbSNP rs988012905, ClinGen allele CA200375224.
Genomic context (GRCh38, chr9:128,577,484, plus strand): 5'-AAGCGAGAGGAACTGATTACAAACTGGGAGCAGATCCGCACCTTGGCGGCAGAGAGACAT[G>T]CACGGCTCAATGATTCATACAGGTGCAAATAATGCTCCAGGTCTTAACCAGTATCATTTG-3'
Protein context (NP_001123910.1, residues 345-365): QIRTLAAERH[Ala355Ser]RLNDSYRLQR